The following is an entry in ClinVar:

ClinVar aggregate classification (germline): Uncertain significance (1 of 4 stars; one submission).

Submission:

Labcorp Genetics (formerly Invitae), Labcorp
Classification: Uncertain significance. Last evaluated: 2025-07-27. Review status: criteria provided, single submitter. Criteria: Invitae Variant Classification Sherloc (09022015). Collection method: clinical testing. Allele origin: germline.
Comment: This sequence change replaces glutamic acid, which is acidic and polar, with glutamine, which is neutral and polar, at codon 331 of the PROM1 protein (p.Glu331Gln). This variant is not present in population databases (gnomAD no frequency). This variant has not been reported in the literature in individuals affected with PROM1-related conditions. Invitae Evidence Modeling of protein sequence and biophysical properties (such as structural, functional, and spatial information, amino acid conservation, physicochemical variation, residue mobility, and thermodynamic stability) indicates that this missense variant is not expected to disrupt PROM1 protein function with a negative predictive value of 80%. In summary, the available evidence is currently insufficient to determine the role of this variant in disease. Therefore, it has been classified as a Variant of Uncertain Significance.

NM_006017.3(PROM1):c.991G>C (p.Glu331Gln)

Gene: PROM1 (prominin 1; minus strand). Cytogenetic location: 4p15.32.
Variant type: single nucleotide variant.
Coding change: c.991G>C on transcript NM_006017.3 (MANE Select); coding-DNA position 991, G replaced by C.
Protein change: p.Glu331Gln; replaces glutamic acid 331 with glutamine.
Molecular consequence: missense variant. On other transcripts: non-coding transcript variant (2).
Genome position (GRCh38, 1-based): chr4:16,018,334, C>G on the plus strand (G>C on the coding strand, the complement: PROM1 is on the minus strand). VCF-style: chr4-16018334-C-G. GRCh37 (hg19) VCF-style: chr4-16019957-C-G.
Other names: c.964G>C, p.Glu322Gln (NM_001145847.2, NM_001145848.2, NM_001145851.2 and 9 more transcripts); c.991G>C, p.Glu331Gln (NM_001145849.2, NM_001145850.2); c.880G>C, p.Glu294Gln (NM_001441174.1); c.625G>C, p.Glu209Gln (NM_001441179.1); short protein forms E331Q, E209Q, E294Q, E322Q.
Identifiers: ClinVar variation 4742098 (VCV004742098.1).
Genomic context (GRCh38, chr4:16,018,334, plus strand): 5'-CAATCCCCAGCATGCAGCCCTTGACCATGGCAAGCTCATGCCTGCTCACCTGCCTCAGTT[C>G]AGGGTTGCTATTCAGCTGGCTTAGAGACAATCTGATGCTGTTGCAGGTTTCACTTGATGG-3'
Protein context (NP_006008.1, residues 321-341): LSLSQLNSNP[Glu331Gln]LRQLPPVDAE